The following is an entry in ClinVar:

NM_018671.5(UNC45A):c.2120A>G (p.Lys707Arg)

Gene: UNC45A (unc-45 myosin chaperone A; plus strand). Cytogenetic location: 15q26.1.
Variant type: single nucleotide variant.
Coding change: c.2120A>G on transcript NM_018671.5 (MANE Select); coding-DNA position 2120, A replaced by G.
Protein change: p.Lys707Arg; replaces lysine 707 with arginine.
Molecular consequence: missense variant.
Genome position (GRCh38, 1-based): chr15:90,950,200, A>G. VCF-style: chr15-90950200-A-G. GRCh37 (hg19) VCF-style: chr15-91493430-A-G.
Other names: c.2120A>G (NM_018671.3); c.2075A>G, p.Lys692Arg (NM_001039675.2, NM_001323621.2); c.2120A>G, p.Lys707Arg (NM_001323619.1); c.1685A>G, p.Lys562Arg (NM_001323620.2); short protein forms K562R, K692R, K707R.
Identifiers: ClinVar variation 1645910 (VCV001645910.10), dbSNP rs138332774, ClinGen allele CA7743190.

ClinVar aggregate classification (germline): Conflicting classifications of pathogenicity. Review status: criteria provided, conflicting classifications (1 of 4 stars). 3 submissions from 3 submitters: Uncertain significance (1); Likely benign (2). Last evaluated 2026-04-30.

Conditions:
Inborn genetic diseases. Identifiers: MedGen C0950123, MeSH D030342.
UNC45A-related disorder. Also called: UNC45A-related condition.

Allele frequency attached by ClinVar (database versions not stated): gnomAD exomes 0.00011 and 0.00026; ExAC 0.00047; ESP Exome Variant Server 0.00112; gnomAD 0.00127 and 0.00133; TOPMed 0.00144; 1000 Genomes Project 0.00180; 1000 Genomes Project 30x 0.00203.
gnomAD v4.1: 368 of 1,551,736 alleles (0.024%); highest among the groups gnomAD compares: African/African-American, 0.43%; 2 homozygotes.

Submissions (3):

PreventionGenetics, part of Exact Sciences
Classification: Likely benign for UNC45A-related condition. Last evaluated: 2026-04-30. Review status: criteria provided, single submitter. Criteria: ACMG Guidelines, 2015. Collection method: clinical testing. Allele origin: germline.
Comment: This variant is classified as likely benign based on ACMG/AMP sequence variant interpretation guidelines (Richards et al. 2015 PMID: 25741868, with internal and published modifications).

Labcorp Genetics (formerly Invitae), Labcorp
Classification: Likely benign. Last evaluated: 2025-12-29. Review status: criteria provided, single submitter. Criteria: Invitae Variant Classification Sherloc (09022015). Collection method: clinical testing. Allele origin: germline.

Ambry Genetics
Classification: Uncertain significance for Inborn genetic diseases. Last evaluated: 2025-08-03. Review status: criteria provided, single submitter. Criteria: Ambry Variant Classification Scheme 2023. Collection method: clinical testing. Allele origin: germline.